The following is an entry in ClinVar:

ClinVar aggregate classification (germline): Uncertain significance (1 of 4 stars; one submission).

Conditions:
Hypertrophic cardiomyopathy. Also called: HYPERTROPHIC MYOCARDIOPATHY. Identifiers: Orphanet 217569, MedGen C0007194, MeSH D002312, MONDO:0005045, HP:0001639.

Submission:

Labcorp Genetics (formerly Invitae), Labcorp
Classification: Uncertain significance for Hypertrophic cardiomyopathy. Last evaluated: 2022-07-12. Review status: criteria provided, single submitter. Criteria: Invitae Variant Classification Sherloc (09022015). Collection method: clinical testing. Allele origin: germline.
Comment: This sequence change creates a premature translational stop signal (p.Leu1055Thrfs*38) in the MYOM1 gene. It is expected to result in an absent or disrupted protein product. However, the current clinical and genetic evidence is not sufficient to establish whether loss-of-function variants in MYOM1 cause disease. This variant is not present in population databases (gnomAD no frequency). This variant has not been reported in the literature in individuals affected with MYOM1-related conditions. In summary, the available evidence is currently insufficient to determine the role of this variant in disease. Therefore, it has been classified as a Variant of Uncertain Significance.

NM_003803.4(MYOM1):c.3162dup (p.Leu1055fs)

Gene: MYOM1 (myomesin 1; minus strand). Cytogenetic location: 18p11.31.
Variant type: Duplication.
Coding change: c.3162dup on transcript NM_003803.4 (MANE Select); coding-DNA position 3162, one base duplicated (A; older notation c.3162dupA).
Protein change: p.Leu1055fs; shifts the reading frame from leucine 1055.
Molecular consequence: frameshift variant.
Genome position (GRCh38, 1-based): chr18:3,116,472, T duplicated on the plus strand (A on the coding strand, the reverse complement: MYOM1 is on the minus strand). VCF-style (leftmost placement, unchanged base first): chr18-3116471-G-GT. GRCh37 (hg19) VCF-style: chr18-3116469-G-GT.
Other names: c.2874dup, p.Leu959fs (NM_019856.2); short protein forms L959fs, L1055fs.
Identifiers: ClinVar variation 2016151 (VCV002016151.4), dbSNP rs2510590309, ClinGen allele CA2580095433.